The following is an entry in ClinVar:

ClinVar aggregate classification (germline): Uncertain significance (1 of 4 stars; one submission).

Conditions:
Hereditary cancer-predisposing syndrome. Also called: Tumor predisposition; Hereditary Cancer Syndrome; Hereditary neoplastic syndrome; Neoplastic Syndromes, Hereditary. Identifiers: Orphanet 140162, MedGen C0027672, MeSH D009386, MONDO:0015356.

Submission:

Ambry Genetics
Classification: Uncertain significance for Hereditary cancer-predisposing syndrome. Last evaluated: 2024-06-19. Review status: criteria provided, single submitter. Criteria: Ambry Variant Classification Scheme 2023. Collection method: clinical testing. Allele origin: germline.
Comment: The p.P1382H variant (also known as c.4145C>A), located in coding exon 21 of the DICER1 gene, results from a C to A substitution at nucleotide position 4145. The proline at codon 1382 is replaced by histidine, an amino acid with similar properties. This amino acid position is conserved. In addition, this alteration is predicted to be deleterious by in silico analysis. Based on the available evidence, the clinical significance of this variant remains unclear.

NM_177438.3(DICER1):c.4145C>A (p.Pro1382His)

Gene: DICER1 (dicer 1, ribonuclease III; minus strand). Cytogenetic location: 14q32.13.
Variant type: single nucleotide variant.
Coding change: c.4145C>A on transcript NM_177438.3 (MANE Select); coding-DNA position 4145, C replaced by A.
Protein change: p.Pro1382His; replaces proline 1382 with histidine.
Molecular consequence: missense variant. On other transcripts: non-coding transcript variant (6).
Genome position (GRCh38, 1-based): chr14:95,099,841, G>T on the plus strand (C>A on the coding strand, the complement: DICER1 is on the minus strand). VCF-style: chr14-95099841-G-T. GRCh37 (hg19) VCF-style: chr14-95566178-G-T.
Other names: c.4145C>A, p.Pro1382His (NM_001195573.1, NM_001271282.3, NM_001291628.2 and 12 more transcripts); c.3863C>A, p.Pro1288His (NM_001395686.1); c.3740C>A, p.Pro1247His (NM_001395687.1, NM_001395688.1, NM_001395689.1 and 2 more transcripts); c.3578C>A, p.Pro1193His (NM_001395691.1); c.2462C>A, p.Pro821His (NM_001395697.1); short protein forms P1382H, P1193H, P1247H, P821H, P1288H.
Identifiers: ClinVar variation 3272055 (VCV003272055.1).
Genomic context (GRCh38, chr14:95,099,841, plus strand): 5'-ATTTCATCTTTTTCCCATTTATCTGTGTTGCTTTTGTCTTGATTTACTACATAACCAGGA[G>T]GAAGCCAATTCACAGGGGGATCAAATATTGACACCACCATGCGGCTGGGTAGTCCCTTCT-3'
Protein context (NP_803187.1, residues 1372-1392): SIFDPPVNWL[Pro1382His]PGYVVNQDKS